The following is an entry in ClinVar:

ClinVar aggregate classification (germline): Uncertain significance (1 of 4 stars; one submission).

Submission:

Ambry Genetics
Classification: Uncertain significance. Last evaluated: 2024-10-13. Review status: criteria provided, single submitter. Criteria: Ambry Variant Classification Scheme 2023. Collection method: clinical testing. Allele origin: germline.
Comment: The p.L712H variant (also known as c.2135T>A), located in coding exon 14 of the RINT1 gene, results from a T to A substitution at nucleotide position 2135. The leucine at codon 712 is replaced by histidine, an amino acid with similar properties. This amino acid position is conserved. In addition, this alteration is predicted to be deleterious by in silico analysis. Based on the available evidence, the clinical significance of this variant remains unclear.

NM_021930.6(RINT1):c.2135T>A (p.Leu712His)

Genes: EFCAB10 (EF-hand calcium binding domain 10; minus strand), RINT1 (RAD50 interactor 1; plus strand). Cytogenetic location: 7q22.3.
Variant type: single nucleotide variant.
Coding change: c.2135T>A on transcript NM_021930.6 (MANE Select); coding-DNA position 2135, T replaced by A.
Protein change: p.Leu712His; replaces leucine 712 with histidine.
Molecular consequence: missense variant. On other transcripts: non-coding transcript variant (1), intron variant (2).
Genome position (GRCh38, 1-based): chr7:105,565,597, T>A. VCF-style: chr7-105565597-T-A. GRCh37 (hg19) VCF-style: chr7-105206044-T-A.
Other names: c.402A>T, p.Lys134Asn (NM_001355530.2); c.1901T>A, p.Leu634His (NM_001346599.2); c.1112T>A, p.Leu371His (NM_001346600.2, NM_001346603.2); c.1211T>A, p.Leu404His (NM_001346601.2); c.360-150A>T (NM_001355531.2); c.384-150A>T (NM_001355526.2); short protein forms L404H, L634H, K134N, L371H, L712H.
Identifiers: ClinVar variation 3433633 (VCV003433633.1).